The following is an entry in ClinVar:

NM_005918.4(MDH2):c.1000G>A (p.Val334Met)

Gene: MDH2 (malate dehydrogenase 2; plus strand). Cytogenetic location: 7q11.23.
Variant type: single nucleotide variant.
Coding change: c.1000G>A on transcript NM_005918.4 (MANE Select); coding-DNA position 1000, G replaced by A.
Protein change: p.Val334Met; replaces valine 334 with methionine.
Molecular consequence: missense variant.
Genome position (GRCh38, 1-based): chr7:76,066,393, G>A. VCF-style: chr7-76066393-G-A. GRCh37 (hg19) VCF-style: chr7-75695711-G-A.
Other names: c.874G>A, p.Val292Met (NM_001282403.2); c.679G>A, p.Val227Met (NM_001282404.2); short protein forms V292M, V334M, V227M.
Identifiers: ClinVar variation 2558076 (VCV002558076.6), dbSNP rs140381447, ClinGen allele CA4305790.

ClinVar aggregate classification (germline): Uncertain significance. Review status: criteria provided, multiple submitters, no conflicts (2 of 4 stars). 3 submissions from 3 submitters: Uncertain significance (3). Last evaluated 2024-04-12.

Conditions:
Inborn genetic diseases. Identifiers: MedGen C0950123, MeSH D030342.

Allele frequency attached by ClinVar (database versions not stated): ExAC 0.00002; gnomAD 0.00002; ESP Exome Variant Server 0.00008.
gnomAD v4.1: 14 of 1,611,704 alleles (0.00087%); highest among the groups gnomAD compares: African/African-American, 0.0081%; no homozygotes.

Submissions (3):

Blueprint Genetics
Classification: Uncertain significance. Last evaluated: 2024-04-12. Review status: criteria provided, single submitter. Criteria: ACMG Guidelines, 2015. Collection method: clinical testing. Allele origin: germline.

Labcorp Genetics (formerly Invitae), Labcorp
Classification: Uncertain significance. Last evaluated: 2023-12-12. Review status: criteria provided, single submitter. Criteria: Invitae Variant Classification Sherloc (09022015). Collection method: clinical testing. Allele origin: germline.
Comment: This sequence change replaces valine, which is neutral and non-polar, with methionine, which is neutral and non-polar, at codon 334 of the MDH2 protein (p.Val334Met). This variant is present in population databases (rs140381447, gnomAD 0.01%). This variant has not been reported in the literature in individuals affected with MDH2-related conditions. ClinVar contains an entry for this variant (Variation ID: 2558076). An algorithm developed to predict the effect of missense changes on protein structure and function (PolyPhen-2) suggests that this variant is likely to be tolerated. In summary, the available evidence is currently insufficient to determine the role of this variant in disease. Therefore, it has been classified as a Variant of Uncertain Significance.

Ambry Genetics
Classification: Uncertain significance for Inborn genetic diseases. Last evaluated: 2023-06-06. Review status: criteria provided, single submitter. Criteria: Ambry Variant Classification Scheme 2023. Collection method: clinical testing. Allele origin: germline.